The following is an entry in ClinVar:

NM_000548.5(TSC2):c.3814+1G>A

Gene: TSC2 (TSC complex subunit 2; plus strand). Cytogenetic location: 16p13.3.
Variant type: single nucleotide variant.
Coding change: c.3814+1G>A on transcript NM_000548.5 (MANE Select); the canonical splice donor site of the intron after coding-DNA position 3814, G replaced by A.
Molecular consequence: splice donor variant.
Genome position (GRCh38, 1-based): chr16:2,081,799, G>A. VCF-style: chr16-2081799-G-A. GRCh37 (hg19) VCF-style: chr16-2131800-G-A.
Other names: c.2341+1G>A (NM_001406693.1, NM_001406690.1, NM_001406692.1 and 1 more transcripts); c.3775+1G>A (NM_001406667.1); c.3772+1G>A (NM_001406668.1); c.3214+1G>A (NM_001406680.1, NM_001406683.1, NM_001406682.1); c.3082+1G>A (NM_001406687.1, NM_001318831.2, NM_001406688.1); c.2470+1G>A (NM_001406689.1); c.2338+1G>A (NM_001406691.1, NM_001406697.1, NM_001406695.1 and 1 more transcripts); c.2080+1G>A (NM_001406698.1); and 18 more.
Identifiers: ClinVar variation 64876 (VCV000064876.11), dbSNP rs397514902, ClinGen allele CA019560.
Genomic context (GRCh38, chr16:2,081,799, plus strand): 5'-CACTGTCGGTGCCGGCAGCCAGCACGGCCAAACCCCCTCCTCTGCCTCGCTCCAACACAG[G>A]TGAGTGGCATGGCGGGCCTTGGCACGGGCTCTGCTCCCACTGGCCTGGTGCTCCCGGTGA-3'

ClinVar aggregate classification (germline): Pathogenic. Review status: criteria provided, single submitter (1 of 4 stars). 2 submissions from 2 submitters: Pathogenic (1). 1 of the submissions does not count toward it. Last evaluated 2021-03-08.

Conditions:
Tuberous sclerosis syndrome (TSC). Also called: Tuberous Sclerosis Complex; Tuberous sclerosis. Identifiers: Orphanet 805, MedGen C0041341, MONDO:0001734.
Tuberous sclerosis 2 (TSC2). Identifiers: Orphanet 805, MedGen C1860707, MONDO:0013199, OMIM 613254.

Submissions (2):

Labcorp Genetics (formerly Invitae), Labcorp
Classification: Pathogenic for Tuberous sclerosis 2. Last evaluated: 2021-03-08. Review status: criteria provided, single submitter. Criteria: Invitae Variant Classification Sherloc (09022015). Collection method: clinical testing. Allele origin: germline.
Comment: This variant has been observed in individual(s) with clinical features of tuberous sclerosis complex (PMID: 29500070). In at least one individual the variant was observed to be de novo. ClinVar contains an entry for this variant (Variation ID: 64876). This variant is not present in population databases (ExAC no frequency). This sequence change affects a donor splice site in intron 31 of the TSC2 gene. It is expected to disrupt RNA splicing. Variants that disrupt the donor or acceptor splice site typically lead to a loss of protein function (PMID: 16199547), and loss-of-function variants in TSC2 are known to be pathogenic (PMID: 10205261, 17304050). Algorithms developed to predict the effect of sequence changes on RNA splicing suggest that this variant may disrupt the consensus splice site, but this prediction has not been confirmed by published transcriptional studies. For these reasons, this variant has been classified as Pathogenic.

Tuberous sclerosis database (TSC2)
No classification provided. Condition: TSC. Review status: no classification provided. Criteria: Tuberous Sclerosis Database Assertion Criteria 2015. Collection method: curation. Allele origin: germline. Affected: yes. Not counted in ClinVar's aggregate classification.

Literature cited by the submitters: PubMed 29500070 (cited by Labcorp Genetics (formerly Invitae), Labcorp); PubMed 16199547 (cited by Labcorp Genetics (formerly Invitae), Labcorp); PubMed 10205261 (cited by Labcorp Genetics (formerly Invitae), Labcorp); PubMed 17304050 (cited by Labcorp Genetics (formerly Invitae), Labcorp).